The following is an entry in ClinVar:

ClinVar aggregate classification (germline): Benign/Likely benign. Review status: criteria provided, multiple submitters, no conflicts (2 of 4 stars). 5 submissions from 5 submitters: Benign (1); Likely benign (3). 1 of the submissions does not count toward it. Last evaluated 2026-01-24.

Conditions:
FRAS1-related disorder. Also called: FRAS1-related condition.
Fraser syndrome 1 (FRASRS1). Also called: CRYPTOPHTHALMOS WITH OTHER MALFORMATIONS. Identifiers: Orphanet 2052, MedGen C4551480, MONDO:0054737, OMIM 219000.

Allele frequency attached by ClinVar (database versions not stated): gnomAD exomes 0.00005 and 0.00038; gnomAD 0.00012 and 0.00014; TOPMed 0.00021; 1000 Genomes Project 0.00040; 1000 Genomes Project 30x 0.00047; ExAC 0.00052.
gnomAD v4.1: 92 of 1,474,072 alleles (0.0062%); highest among the groups gnomAD compares: East Asian, 0.19%; 2 homozygotes.

Submissions (5):

Labcorp Genetics (formerly Invitae), Labcorp
Classification: Benign. Last evaluated: 2026-01-24. Review status: criteria provided, single submitter. Criteria: Invitae Variant Classification Sherloc (09022015). Collection method: clinical testing. Allele origin: germline.

Blueprint Genetics
Classification: Likely benign. Last evaluated: 2024-10-04. Review status: criteria provided, single submitter. Criteria: ACMG Guidelines, 2015. Collection method: clinical testing. Allele origin: germline.

Fulgent Genetics
Classification: Likely benign for Fraser syndrome 1. Last evaluated: 2022-02-08. Review status: criteria provided, single submitter. Criteria: ACMG Guidelines, 2015. Collection method: clinical testing. Allele origin: unknown.

Illumina Laboratory Services, Illumina
Classification: Likely benign for Fraser syndrome 1. Last evaluated: 2018-01-13. Review status: criteria provided, single submitter. Criteria: ICSL Variant Classification Criteria 13 December 2019. Collection method: clinical testing. Allele origin: germline.
Comment: This variant was observed in the ICSL laboratory as part of a predisposition screen in an ostensibly healthy population. It had not been previously curated by ICSL or reported in the Human Gene Mutation Database (HGMD: prior to June 1st, 2018), and was therefore a candidate for classification through an automated scoring system. Utilizing variant allele frequency, disease prevalence and penetrance estimates, and inheritance mode, an automated score was calculated to assess if this variant is too frequent to cause the disease. Based on the score and internal cut-off values, a variant classified as likely benign is not then subjected to further curation. The score for this variant resulted in a classification of likely benign for this disease.

PreventionGenetics, part of Exact Sciences
Classification: Likely benign for FRAS1-related condition. Last evaluated: 2020-07-20. Review status: no assertion criteria provided. Collection method: clinical testing. Allele origin: germline. Not counted in ClinVar's aggregate classification.
Comment: This variant is classified as likely benign based on ACMG/AMP sequence variant interpretation guidelines (Richards et al. 2015 PMID: 25741868, with internal and published modifications).

NM_025074.7(FRAS1):c.1255+10T>C

Gene: FRAS1 (Fraser extracellular matrix complex subunit 1; plus strand). Cytogenetic location: 4q21.21.
Variant type: single nucleotide variant.
Coding change: c.1255+10T>C on transcript NM_025074.7 (MANE Select); 10 bases into the intron after coding-DNA position 1255, T replaced by C.
Molecular consequence: intron variant.
Genome position (GRCh38, 1-based): chr4:78,282,977, T>C. VCF-style: chr4-78282977-T-C. GRCh37 (hg19) VCF-style: chr4-79204131-T-C.
Other names: c.1255+10T>C (NM_001166133.2).
Identifiers: ClinVar variation 725673 (VCV000725673.16), dbSNP rs540508144, ClinGen allele CA2976227.
Genomic context (GRCh38, chr4:78,282,977, plus strand): 5'-GCACACTGGCCTTAGAGGTGAAGGGACAGTGCTGTCCAGACTGCACATCAGGTGGGTCCA[T>C]GTCTCCTCTGTTTCTACTGAGATAGTTTTACTGCCAAAAAGCTCAGAGATCCTCTTCCCC-3'